The following is an entry in ClinVar:

NM_002474.3(MYH11):c.2577T>A (p.Asp859Glu)

Gene: MYH11 (myosin heavy chain 11; minus strand). Cytogenetic location: 16p13.11.
Variant type: single nucleotide variant.
Coding change: c.2577T>A on transcript NM_002474.3 (MANE Select); coding-DNA position 2577, T replaced by A.
Protein change: p.Asp859Glu; replaces aspartic acid 859 with glutamic acid.
Molecular consequence: missense variant.
Genome position (GRCh38, 1-based): chr16:15,741,835, A>T on the plus strand (T>A on the coding strand, the complement: MYH11 is on the minus strand). VCF-style: chr16-15741835-A-T. GRCh37 (hg19) VCF-style: chr16-15835692-A-T.
Other names: c.2598T>A, p.Asp866Glu (NM_001040114.2, NM_001040113.2); c.2577T>A, p.Asp859Glu (NM_022844.3); short protein forms D859E, D866E.
Identifiers: ClinVar variation 3074759 (VCV003074759.1), dbSNP rs2041282660, ClinGen allele CA394866392.
Genomic context (GRCh38, chr16:15,741,835, plus strand): 5'-TTCCAGCTCCTTAAGCTCATTCTCTGCCTTCTGCTGCCGCTCCTTGGTCTTCTGCAGTTC[A>T]TCCTCCTTGGCCTGCATCTCCTCCTCCTGCCGTGTCACCTGCAGCAGTGGCTTCACCTGC-3'
Protein context (NP_002465.1, residues 849-869): RQEEEMQAKE[Asp859Glu]ELQKTKERQQ

ClinVar aggregate classification (germline): Uncertain significance (1 of 4 stars; one submission).

Conditions:
Familial thoracic aortic aneurysm and aortic dissection (TAAD). Also called: Thoracic aortic aneurysms and dissections. Identifiers: Orphanet 91387, MedGen C4707243, MONDO:0019625.

Allele frequency attached by ClinVar (database versions not stated): TOPMed below 0.00001.

Submission:

All of Us Research Program, National Institutes of Health
Classification: Uncertain significance for Familial thoracic aortic aneurysm and aortic dissection. Last evaluated: 2023-12-13. Review status: criteria provided, single submitter. Criteria: ACMG Guidelines, 2015. Collection method: clinical testing. Allele origin: germline. Inheritance: Autosomal dominant inheritance. Observed: 1 variant allele, 1 heterozygote.
Comment: This missense variant replaces aspartic acid with glutamic acid at codon 866 of the MYH11 protein. Computational prediction suggests that this variant may not impact protein structure and function (internally defined REVEL score threshold <= 0.5, PMID: 27666373). To our knowledge, functional studies have not been reported for this variant. This variant has not been reported in individuals affected with MYH11-related disorders in the literature. This variant has not been identified in the general population by the Genome Aggregation Database (gnomAD). The available evidence is insufficient to determine the role of this variant in disease conclusively. Therefore, this variant is classified as a Variant of Uncertain Significance.

This study involves interpretation of variants in research participants for the purpose of population health screening. Participant phenotype was not available at the time of variant classification. Additional details can be found in publication PMID: 35346344, PMCID: PMC8962531